The following is an entry in ClinVar:

ClinVar aggregate classification (germline): Uncertain significance. Review status: criteria provided, multiple submitters, no conflicts (2 of 4 stars). 2 submissions from 2 submitters: Uncertain significance (2). Last evaluated 2025-12-09.

Allele frequency attached by ClinVar (database versions not stated): gnomAD exomes 0.00002; ExAC 0.00003; 1000 Genomes Project 30x 0.00016; 1000 Genomes Project 0.00020; gnomAD 0.00003; TOPMed 0.00003.
gnomAD v4.1: 35 of 1,613,884 alleles (0.0022%); highest among the groups gnomAD compares: East Asian, 0.016%; no homozygotes.

Submissions (2):

Labcorp Genetics (formerly Invitae), Labcorp
Classification: Uncertain significance. Last evaluated: 2025-12-09. Review status: criteria provided, single submitter. Criteria: Invitae Variant Classification Sherloc (09022015). Collection method: clinical testing. Allele origin: germline.
Comment: This sequence change replaces alanine, which is neutral and non-polar, with valine, which is neutral and non-polar, at codon 499 of the MTMR14 protein (p.Ala499Val). This variant is present in population databases (rs201021505, gnomAD 0.03%). This variant has not been reported in the literature in individuals affected with MTMR14-related conditions. ClinVar contains an entry for this variant (Variation ID: 2544405). An algorithm developed to predict the effect of missense changes on protein structure and function (PolyPhen-2) suggests that this variant is likely to be tolerated. In summary, the available evidence is currently insufficient to determine the role of this variant in disease. Therefore, it has been classified as a Variant of Uncertain Significance.

Ambry Genetics
Classification: Uncertain significance. Last evaluated: 2023-05-05. Review status: criteria provided, single submitter. Criteria: Ambry Variant Classification Scheme 2023. Collection method: clinical testing. Allele origin: germline.

NM_001077525.3(MTMR14):c.1832C>T (p.Ala611Val)

Gene: MTMR14 (myotubularin related protein 14; plus strand). Cytogenetic location: 3p25.3.
Variant type: single nucleotide variant.
Coding change: c.1832C>T on transcript NM_001077525.3 (MANE Select); coding-DNA position 1832, C replaced by T.
Protein change: p.Ala611Val; replaces alanine 611 with valine.
Molecular consequence: missense variant. On other transcripts: non-coding transcript variant (9).
Genome position (GRCh38, 1-based): chr3:9,701,852, C>T. VCF-style: chr3-9701852-C-T. GRCh37 (hg19) VCF-style: chr3-9743536-C-T.
Other names: c.1190C>T, p.Ala397Val (NM_001400534.1, NM_001400535.1, NM_001400533.1); c.1175C>T, p.Ala392Val (NM_001400536.1); c.1139C>T, p.Ala380Val (NM_001400537.1); c.1115C>T, p.Ala372Val (NM_001400538.1); c.1034C>T, p.Ala345Val (NM_001400539.1, NM_001400540.1, NM_001400541.1 and 2 more transcripts); c.1676C>T, p.Ala559Val (NM_001077526.3); c.1901C>T, p.Ala634Val (NM_001400518.1); c.1829C>T, p.Ala610Val (NM_001400519.1); and 19 more; short protein forms A272V, A372V, A416V, A465V, A474V, A499V, A558V, A610V.
Identifiers: ClinVar variation 2544405 (VCV002544405.3), dbSNP rs201021505, ClinGen allele CA2240894.